The following is an entry in ClinVar:

ClinVar aggregate classification (germline): Uncertain significance (1 of 4 stars; one submission).

Allele frequency attached by ClinVar (database versions not stated): TOPMed below 0.00001; gnomAD 0.00001.
gnomAD v4.1: 8 of 1,614,094 alleles (0.0005%); highest among the groups gnomAD compares: Non-Finnish European, 0.00059%; no homozygotes.

Submission:

Labcorp Genetics (formerly Invitae), Labcorp
Classification: Uncertain significance. Last evaluated: 2022-02-25. Review status: criteria provided, single submitter. Criteria: Invitae Variant Classification Sherloc (09022015). Collection method: clinical testing. Allele origin: germline.
Comment: This sequence change replaces aspartic acid, which is acidic and polar, with asparagine, which is neutral and polar, at codon 389 of the COL9A2 protein (p.Asp389Asn). In summary, the available evidence is currently insufficient to determine the role of this variant in disease. Therefore, it has been classified as a Variant of Uncertain Significance. Advanced modeling of protein sequence and biophysical properties (such as structural, functional, and spatial information, amino acid conservation, physicochemical variation, residue mobility, and thermodynamic stability) performed at Invitae indicates that this missense variant is not expected to disrupt COL9A2 protein function. This variant has not been reported in the literature in individuals affected with COL9A2-related conditions. This variant is present in population databases (no rsID available, gnomAD 0.002%).

NM_001852.4(COL9A2):c.1165G>A (p.Asp389Asn)

Gene: COL9A2 (collagen type IX alpha 2 chain; minus strand). Cytogenetic location: 1p34.2.
Variant type: single nucleotide variant.
Coding change: c.1165G>A on transcript NM_001852.4 (MANE Select); coding-DNA position 1165, G replaced by A.
Protein change: p.Asp389Asn; replaces aspartic acid 389 with asparagine.
Molecular consequence: missense variant.
Genome position (GRCh38, 1-based): chr1:40,304,526, C>T on the plus strand (G>A on the coding strand, the complement: COL9A2 is on the minus strand). VCF-style: chr1-40304526-C-T. GRCh37 (hg19) VCF-style: chr1-40770198-C-T.
Other names: short protein forms D389N.
Identifiers: ClinVar variation 1495089 (VCV001495089.6), dbSNP rs1386982629, ClinGen allele CA339882153.